The following is an entry in ClinVar:

ClinVar aggregate classification (germline): Benign/Likely benign. Review status: criteria provided, multiple submitters, no conflicts (2 of 4 stars). 10 submissions from 10 submitters: Benign (4); Likely benign (5). 1 of the submissions does not count toward it. Last evaluated 2026-02-03.

Conditions:
Peroxisome biogenesis disorder. Identifiers: Orphanet 79189, MedGen C1832200, MONDO:0019234. Disease mechanism: loss of function.
Peroxisome biogenesis disorder 4A (Zellweger) (PBD4A). Also called: Zellweger syndrome spectrum (PEX6-related). Identifiers: Orphanet 912, MedGen C3553936, MONDO:0013930, OMIM 614862. Disease mechanism: loss of function.
Zellweger spectrum disorders (ZS). Also called: Zellweger Spectrum Disorder; Zellweger Spectrum; Zellweger syndrome; Zellweger Spectrum Disorder (ZSD). Identifiers: Orphanet 912, MedGen C0043459, MONDO:0019609.

Allele frequency attached by ClinVar (database versions not stated): gnomAD exomes 0.00048 and 0.00151; ExAC 0.00188; gnomAD 0.00576 and 0.00619; TOPMed 0.00601; 1000 Genomes Project 0.00619; ESP Exome Variant Server 0.00638; 1000 Genomes Project 30x 0.00703.
gnomAD v4.1: 1,596 of 1,614,140 alleles (0.099%); highest among the groups gnomAD compares: African/African-American, 1.9%; 9 homozygotes.

Submissions (10):

Labcorp Genetics (formerly Invitae), Labcorp
Classification: Benign for Peroxisome biogenesis disorder. Last evaluated: 2026-02-03. Review status: criteria provided, single submitter. Criteria: Invitae Variant Classification Sherloc (09022015). Collection method: clinical testing. Allele origin: germline.

ARUP Laboratories, Molecular Genetics and Genomics, ARUP Laboratories
Classification: Likely benign. Last evaluated: 2025-03-17. Review status: criteria provided, single submitter. Criteria: ARUP Molecular Germline Variant Investigation Process 2024. Collection method: clinical testing. Allele origin: germline.

Blueprint Genetics
Classification: Likely benign. Last evaluated: 2024-11-26. Review status: criteria provided, single submitter. Criteria: ACMG Guidelines, 2015. Collection method: clinical testing. Allele origin: germline.

Mayo Clinic Laboratories, Mayo Clinic
Classification: Benign. Last evaluated: 2021-10-01. Review status: criteria provided, single submitter. Criteria: ACMG Guidelines, 2015. Collection method: clinical testing. Allele origin: germline. Observed: 4 variant alleles.
Comment: BA1, BS1, BS2, BP4

Women's Health and Genetics/Laboratory Corporation of America, LabCorp
Classification: Benign. Last evaluated: 2020-06-26. Review status: criteria provided, single submitter. Criteria: LabCorp Variant Classification Summary - May 2015. Collection method: clinical testing. Allele origin: germline.
Comment: Variant summary: PEX6 c.2770G>T (p.Ala924Ser) results in a conservative amino acid change in the encoded protein sequence. Five of five in-silico tools predict a benign effect of the variant on protein function. The variant allele was found at a frequency of 0.0015 in 251220 control chromosomes, predominantly at a frequency of 0.02 within the African or African-American subpopulation in the gnomAD database, including 3 homozygotes. The observed variant frequency within African or African-American control individuals in the gnomAD database is approximately 10 fold of the estimated maximal expected allele frequency for a pathogenic variant in PEX6 causing Zellweger Syndrome phenotype (0.0019), strongly suggesting that the variant is a benign polymorphism found primarily in populations of African or African-American origin. To our knowledge, no occurrence of c.2770G>T in individuals affected with Zellweger Syndrome and no experimental evidence demonstrating its impact on protein function have been reported. Three clinical diagnostic laboratories have submitted clinical-significance assessments for this variant to ClinVar after 2014 without evidence for independent evaluation. All laboratories classified the variant as benign (n=2)/likely benign. Based on the evidence outlined above, the variant was classified as benign.

GeneDx
Classification: Likely benign. Last evaluated: 2020-01-12. Review status: criteria provided, single submitter. Criteria: GeneDx Variant Classification Process June 2021. Collection method: clinical testing. Allele origin: germline. Affected: yes.

Illumina Laboratory Services, Illumina
Classification: Benign for Peroxisome biogenesis disorder 4A (Zellweger). Last evaluated: 2017-04-28. Review status: criteria provided, single submitter. Criteria: ICSL Variant Classification Criteria 13 December 2019. Collection method: clinical testing. Allele origin: germline.
Comment: This variant was observed as part of a predisposition screen in an ostensibly healthy population. A literature search was performed for the gene, cDNA change, and amino acid change (where applicable). Publications were found based on this search. The evidence from the literature, in combination with allele frequency data from public databases where available, was sufficient to rule this variant out of causing disease. Therefore, this variant is classified as benign.

Center for Pediatric Genomic Medicine, Children's Mercy Hospital and Clinics
Classification: Likely benign. Last evaluated: 2015-10-28. Review status: criteria provided, single submitter. Criteria: ACMG Guidelines, 2015. Collection method: clinical testing. Allele origin: germline.
ClinVar note: Converted during submission from Likely Benign to Likely benign.

Breakthrough Genomics
Classification: Likely benign. Review status: criteria provided, single submitter. Criteria: ACMG Guidelines, 2015. Collection method: not provided. Allele origin: germline. Inheritance: Autosomal recessive inheritance. Affected: yes.

Natera, Inc.
Classification: Benign for Zellweger syndrome. Last evaluated: 2019-12-06. Review status: no assertion criteria provided. Collection method: clinical testing. Allele origin: germline. Not counted in ClinVar's aggregate classification.

Literature cited by the submitters: PubMed 19105186 (cited by Illumina Laboratory Services, Illumina).

NM_000287.4(PEX6):c.2770G>T (p.Ala924Ser)

Gene: PEX6 (peroxisomal biogenesis factor 6; minus strand). Cytogenetic location: 6p21.1.
Variant type: single nucleotide variant.
Coding change: c.2770G>T on transcript NM_000287.4 (MANE Select); coding-DNA position 2770, G replaced by T.
Protein change: p.Ala924Ser; replaces alanine 924 with serine.
Molecular consequence: missense variant. On other transcripts: non-coding transcript variant (1).
Genome position (GRCh38, 1-based): chr6:42,964,826, C>A on the plus strand (G>T on the coding strand, the complement: PEX6 is on the minus strand). VCF-style: chr6-42964826-C-A. GRCh37 (hg19) VCF-style: chr6-42932564-C-A.
Other names: c.2506G>T, p.Ala836Ser (NM_001316313.2); short protein forms A924S, A836S.
Identifiers: ClinVar variation 235682 (VCV000235682.25), dbSNP rs34551839, ClinGen allele CA3810913.